The following is an entry in ClinVar:

ClinVar aggregate classification (germline): Uncertain significance (1 of 4 stars; one submission).

Submission:

Labcorp Genetics (formerly Invitae), Labcorp
Classification: Uncertain significance. Last evaluated: 2024-07-25. Review status: criteria provided, single submitter. Criteria: Invitae Variant Classification Sherloc (09022015). Collection method: clinical testing. Allele origin: germline.
Comment: This variant occurs in a non-coding region of the MATN3 gene. It does not change the encoded amino acid sequence of the MATN3 protein. This variant is not present in population databases (gnomAD no frequency). This variant has not been reported in the literature in individuals affected with MATN3-related conditions. This variant is also known as p.Met1?. Experimental studies and prediction algorithms are not available or were not evaluated, and the functional significance of this variant is currently unknown. In summary, the available evidence is currently insufficient to determine the role of this variant in disease. Therefore, it has been classified as a Variant of Uncertain Significance.

NC_000002.12:g.20012637_20012654dup

Gene: MATN3 (matrilin 3; minus strand). Cytogenetic location: 2p24.1.
Variant type: Duplication.
Genome position: GRCh38 VCF-style: chr2-20012630-A-ATGGTGGGCTCCGTGGGCC. GRCh37 (hg19) VCF-style: chr2-20212391-A-ATGGTGGGCTCCGTGGGCC.
Identifiers: ClinVar variation 3719354 (VCV003719354.2).